The following is an entry in ClinVar:

ClinVar aggregate classification (germline): Uncertain significance (1 of 4 stars; one submission).

Submission:

Labcorp Genetics (formerly Invitae), Labcorp
Classification: Uncertain significance. Last evaluated: 2024-10-24. Review status: criteria provided, single submitter. Criteria: Invitae Variant Classification Sherloc (09022015). Collection method: clinical testing. Allele origin: germline.
Comment: This sequence change replaces valine, which is neutral and non-polar, with isoleucine, which is neutral and non-polar, at codon 4018 of the ADGRV1 protein (p.Val4018Ile). This variant is not present in population databases (gnomAD no frequency). This variant has not been reported in the literature in individuals affected with ADGRV1-related conditions. ClinVar contains an entry for this variant (Variation ID: 1516548). Invitae Evidence Modeling of protein sequence and biophysical properties (such as structural, functional, and spatial information, amino acid conservation, physicochemical variation, residue mobility, and thermodynamic stability) indicates that this missense variant is not expected to disrupt ADGRV1 protein function with a negative predictive value of 95%. In summary, the available evidence is currently insufficient to determine the role of this variant in disease. Therefore, it has been classified as a Variant of Uncertain Significance.

NM_032119.4(ADGRV1):c.12052G>A (p.Val4018Ile)

Gene: ADGRV1 (adhesion G protein-coupled receptor V1; plus strand). Cytogenetic location: 5q14.3.
Variant type: single nucleotide variant.
Coding change: c.12052G>A on transcript NM_032119.4 (MANE Select); coding-DNA position 12052, G replaced by A.
Protein change: p.Val4018Ile; replaces valine 4018 with isoleucine.
Molecular consequence: missense variant. On other transcripts: non-coding transcript variant (1).
Genome position (GRCh38, 1-based): chr5:90,759,520, G>A. VCF-style: chr5-90759520-G-A. GRCh37 (hg19) VCF-style: chr5-90055337-G-A.
Other names: short protein forms V4018I.
Identifiers: ClinVar variation 1516548 (VCV001516548.8), dbSNP rs2149995131, ClinGen allele CA360373918.